The following is an entry in ClinVar:

NM_004329.3(BMPR1A):c.560G>A (p.Arg187His)

Gene: BMPR1A (bone morphogenetic protein receptor type 1A; plus strand). Cytogenetic location: 10q23.2.
Variant type: single nucleotide variant.
Coding change: c.560G>A on transcript NM_004329.3 (MANE Select); coding-DNA position 560, G replaced by A.
Protein change: p.Arg187His; replaces arginine 187 with histidine.
Molecular consequence: missense variant.
Genome position (GRCh38, 1-based): chr10:86,912,269, G>A. VCF-style: chr10-86912269-G-A. GRCh37 (hg19) VCF-style: chr10-88672026-G-A.
Other names: short protein forms R187H.
Identifiers: ClinVar variation 232773 (VCV000232773.26), dbSNP rs189059377, ClinGen allele CA5585555.

ClinVar aggregate classification (germline): Conflicting classifications of pathogenicity. Review status: criteria provided, conflicting classifications (1 of 4 stars). 8 submissions from 8 submitters: Uncertain significance (7); Likely benign (1). Last evaluated 2025-12-14.

Conditions:
Hereditary cancer-predisposing syndrome. Also called: Hereditary Cancer Syndrome; Neoplastic Syndromes, Hereditary; Tumor predisposition; Hereditary neoplastic syndrome. Identifiers: Orphanet 140162, MedGen C0027672, MeSH D009386, MONDO:0015356.
Juvenile polyposis syndrome (JPS). Identifiers: Orphanet 2929, MedGen C0345893, MONDO:0017380, OMIM 174900.
Polyposis syndrome, hereditary mixed, 2. Identifiers: Orphanet 157794, MedGen C1864730, MONDO:0012405, OMIM 610069.

Allele frequency attached by ClinVar (database versions not stated): gnomAD 0.00002; 1000 Genomes Project 30x 0.00016; ExAC 0.00001; gnomAD exomes 0.00001; TOPMed 0.00001; 1000 Genomes Project 0.00020.
gnomAD v4.1: 18 of 1,613,710 alleles (0.0011%); highest among the groups gnomAD compares: East Asian, 0.0067%; no homozygotes.

Submissions (8):

Labcorp Genetics (formerly Invitae), Labcorp
Classification: Uncertain significance for Juvenile polyposis syndrome. Last evaluated: 2025-12-14. Review status: criteria provided, single submitter. Criteria: Invitae Variant Classification Sherloc (09022015). Collection method: clinical testing. Allele origin: germline.
Comment: This sequence change replaces arginine, which is basic and polar, with histidine, which is basic and polar, at codon 187 of the BMPR1A protein (p.Arg187His). This variant is present in population databases (rs189059377, gnomAD 0.007%). This missense change has been observed in individual(s) with breast cancer (PMID: 26976419). ClinVar contains an entry for this variant (Variation ID: 232773). Invitae Evidence Modeling incorporating data from in vitro experimental studies (internal data) indicates that this missense variant is not expected to disrupt BMPR1A function with a negative predictive value of 95%. In summary, the available evidence is currently insufficient to determine the role of this variant in disease. Therefore, it has been classified as a Variant of Uncertain Significance.

Quest Diagnostics Nichols Institute San Juan Capistrano
Classification: Uncertain significance. Last evaluated: 2025-07-29. Review status: criteria provided, single submitter. Criteria: Quest Diagnostics criteria. Collection method: clinical testing. Allele origin: unknown.
Comment: The BMPR1A c.560G>A (p.Arg187His) variant has been reported in the published literature in an individual with breast cancer (PMID: 26976419 (2016)). The frequency of this variant in the general population (Genome Aggregation Database) is uninformative in the assessment of its pathogenicity. Analysis of this variant using bioinformatics tools for the prediction of the effect of amino acid changes on protein structure and function yielded predictions that this variant is benign. Based on the available information, we are unable to determine the clinical significance of this variant.

Color Diagnostics, LLC DBA Color Health
Classification: Uncertain significance for Hereditary cancer-predisposing syndrome. Last evaluated: 2024-11-04. Review status: criteria provided, single submitter. Criteria: ACMG Guidelines, 2015. Collection method: clinical testing. Allele origin: germline.
Comment: This missense variant replaces arginine with histidine at codon 187 of the BMPR1A protein. Computational prediction suggests that this variant may not impact protein structure and function. To our knowledge, functional studies have not been reported for this variant. This variant has been reported in individuals affected with breast cancer (PMID: 26976419). This variant has been identified in 2/251316 chromosomes in the general population by the Genome Aggregation Database (gnomAD). The available evidence is insufficient to determine the role of this variant in disease conclusively. Therefore, this variant is classified as a Variant of Uncertain Significance.

GeneDx
Classification: Uncertain significance. Last evaluated: 2024-10-07. Review status: criteria provided, single submitter. Criteria: GeneDx Variant Classification Process June 2021. Collection method: clinical testing. Allele origin: germline. Affected: yes.
Comment: Observed in an individual with breast cancer (PMID: 26976419); Not observed at significant frequency in large population cohorts (gnomAD); In silico analysis indicates that this missense variant does not alter protein structure/function; This variant is associated with the following publications: (PMID: 26976419)

All of Us Research Program, National Institutes of Health
Classification: Uncertain significance for Juvenile polyposis syndrome. Last evaluated: 2023-09-05. Review status: criteria provided, single submitter. Criteria: ACMG Guidelines, 2015. Collection method: clinical testing. Allele origin: germline. Inheritance: Autosomal dominant inheritance. Observed: 1 variant allele, 1 heterozygote.
Comment: This missense variant replaces arginine with histidine at codon 187 of the BMPR1A protein. Computational prediction suggests that this variant may not impact protein structure and function (internally defined REVEL score threshold <= 0.5, PMID: 27666373). To our knowledge, functional studies have not been reported for this variant. This variant has been reported in individuals affected with breast cancer (PMID: 26976419). This variant has been identified in 2/251316 chromosomes in the general population by the Genome Aggregation Database (gnomAD). The available evidence is insufficient to determine the role of this variant in disease conclusively. Therefore, this variant is classified as a Variant of Uncertain Significance.

This study involves interpretation of variants in research participants for the purpose of population health screening. Participant phenotype was not available at the time of variant classification. Additional details can be found in publication PMID: 35346344, PMCID: PMC8962531

Baylor Genetics
Classification: Uncertain significance for Polyposis syndrome, hereditary mixed, 2. Last evaluated: 2023-08-21. Review status: criteria provided, single submitter. Criteria: ACMG Guidelines, 2015. Collection method: clinical testing. Allele origin: unknown.

Women's Health and Genetics/Laboratory Corporation of America, LabCorp
Classification: Uncertain significance. Last evaluated: 2021-09-10. Review status: criteria provided, single submitter. Criteria: LabCorp Variant Classification Summary - May 2015. Collection method: clinical testing. Allele origin: germline.
Comment: Variant summary: BMPR1A c.560G>A (p.Arg187His) results in a non-conservative amino acid change in the encoded protein sequence. Four of five in-silico tools predict a benign effect of the variant on protein function. The variant allele was found at a frequency of 8e-06 in 251316 control chromosomes (gnomAD). The available data on variant occurrences in the general population are insufficient to allow any conclusion about variant significance. The variant has been reported in an individual affected with breast cancer (Tung_2016), however, to our knowledge, no occurrence of c.560G>A in individuals affected with Juvenile Polyposis Syndrome and no experimental evidence demonstrating its impact on protein function have been reported. Four clinical diagnostic laboratories have submitted clinical-significance assessments for this variant to ClinVar after 2014 without evidence for independent evaluation, and classified the variant as VUS (n=3) or likely benign (n=1). Based on the evidence outlined above, the variant was classified as uncertain significance.

Ambry Genetics
Classification: Likely benign for Hereditary cancer-predisposing syndrome. Last evaluated: 2018-07-10. Review status: criteria provided, single submitter. Criteria: Ambry Variant Classification Scheme 2023. Collection method: clinical testing. Allele origin: germline.

Literature cited by the submitters: PubMed 26976419 (cited by 5 submitters).